The following is an entry in ClinVar:

ClinVar aggregate classification (germline): Uncertain significance. Review status: reviewed by expert panel (3 of 4 stars). 4 submissions from 4 submitters: Uncertain significance (1). 3 of the submissions do not count toward it. Last evaluated 2025-01-15.

Conditions:
Hereditary thrombocytopenia and hematological cancer predisposition syndrome associated with RUNX1. Also called: Familial thrombocytopenia with propensity to acute myelogenous leukemia; PLATELET DISORDER, ASPIRIN-LIKE; Familial Platelet Disorder with Propensity to Acute Myelogenous Leukemia; RUNX1 Familial Platelet Disorder with Associated Myeloid Malignancies. Identifiers: Orphanet 71290, MedGen C1832388, MeSH C563324, MONDO:0100083, OMIM 601399.
Hereditary thrombocytopenia and hematologic cancer predisposition syndrome. Identifiers: Orphanet 71290, MedGen CN281654, MONDO:0011071.

Allele frequency attached by ClinVar (database versions not stated): gnomAD exomes below 0.00001; TOPMed below 0.00001.
gnomAD v4.1: 3 of 1,614,086 alleles (0.00019%); highest among the groups gnomAD compares: Admixed American, 0.0017%; no homozygotes.

Submissions (4):

ClinGen Myeloid Malignancy Variant Curation Expert Panel
Classification: Uncertain significance for Hereditary thrombocytopenia and hematologic cancer predisposition syndrome. Last evaluated: 2025-01-15. Review status: reviewed by expert panel. Criteria: ClinGen MyeloMalig ACMG Specifications v2. Collection method: curation. Allele origin: germline. Inheritance: Autosomal dominant inheritance.
Comment: NM_001754.5(RUNX1):c.493G>A (p.Gly165Ser) is a missense variant which has a REVEL score ≥ 0.88 (0.949) (PP3). This variant is located within the Runt Homology Domain (RHD; AA 89-204) but does not occur in an established hotspot residue (PM1_supporting). In summary, the clinical significance of this variant is uncertain. ACMG/AMP criteria applied, as specified by the Myeloid Malignancy Variant Curation Expert Panel for RUNX1: PP3, PM1_supporting.

Labcorp Genetics (formerly Invitae), Labcorp
Classification: Uncertain significance for Hereditary thrombocytopenia and hematological cancer predisposition syndrome associated with RUNX1. Last evaluated: 2025-05-27. Review status: criteria provided, single submitter. Criteria: Invitae Variant Classification Sherloc (09022015). Collection method: clinical testing. Allele origin: germline. Not counted in ClinVar's aggregate classification.
Comment: This sequence change replaces glycine, which is neutral and non-polar, with serine, which is neutral and polar, at codon 165 of the RUNX1 protein (p.Gly165Ser). This variant is present in population databases (no rsID available, gnomAD 0.003%). This variant has not been reported in the literature in individuals affected with RUNX1-related conditions. ClinVar contains an entry for this variant (Variation ID: 1040026). Invitae Evidence Modeling of protein sequence and biophysical properties (such as structural, functional, and spatial information, amino acid conservation, physicochemical variation, residue mobility, and thermodynamic stability) has been performed for this missense variant. However, the output from this modeling did not meet the statistical confidence thresholds required to predict the impact of this variant on RUNX1 protein function. In summary, the available evidence is currently insufficient to determine the role of this variant in disease. Therefore, it has been classified as a Variant of Uncertain Significance.

GeneDx
Classification: Uncertain significance. Last evaluated: 2023-10-20. Review status: criteria provided, single submitter. Criteria: GeneDx Variant Classification Process June 2021. Collection method: clinical testing. Allele origin: germline. Affected: yes. Not counted in ClinVar's aggregate classification.
Comment: Not observed at significant frequency in large population cohorts (gnomAD); In silico analysis supports that this missense variant has a deleterious effect on protein structure/function; Has not been previously published as pathogenic or benign to our knowledge; This variant is associated with the following publications: (PMID: 32060405)

Blueprint Genetics
Classification: Uncertain significance. Last evaluated: 2021-01-22. Review status: criteria provided, single submitter. Criteria: ACMG Guidelines, 2015. Collection method: clinical testing. Allele origin: germline. Not counted in ClinVar's aggregate classification.

NM_001754.5(RUNX1):c.493G>A (p.Gly165Ser)

Genes: RUNX1 (RUNX family transcription factor 1; minus strand), RUNX1-AS1 (RUNX1 antisense RNA 1; plus strand). Cytogenetic location: 21q22.12.
Variant type: single nucleotide variant.
Coding change: c.493G>A on transcript NM_001754.5 (MANE Select); coding-DNA position 493, G replaced by A.
Protein change: p.Gly165Ser; replaces glycine 165 with serine.
Molecular consequence: missense variant.
Genome position (GRCh38, 1-based): chr21:34,880,572, C>T on the plus strand (G>A on the coding strand, the complement: RUNX1 is on the minus strand). VCF-style: chr21-34880572-C-T. GRCh37 (hg19) VCF-style: chr21-36252869-C-T.
Other names: NM_001754.5(RUNX1):c.493G>A; p.Gly165Ser; c.493G>A (NM_001754.4); c.412G>A, p.Gly138Ser (NM_001001890.3, NM_001122607.2); short protein forms G165S, G138S.
Identifiers: ClinVar variation 1040026 (VCV001040026.12), dbSNP rs993436723, ClinGen allele CA320637836.
Genomic context (GRCh38, chr21:34,880,572, plus strand): 5'-TTGCCATGAAACGTGTTTCAAGCATAGTTTTGACAGATAACGTACCTCTTCCACTTCGAC[C>T]GACAAACCTGAGGTCATTAAATCTTGCAACCTGGTTCTTCATGGCTGCGGTAGCATTTCT-3'
Protein context (NP_001745.2, residues 155-175): VARFNDLRFV[Gly165Ser]RSGRGKSFTL